The following is an entry in ClinVar:

ClinVar aggregate classification (germline): Uncertain significance. Review status: criteria provided, multiple submitters, no conflicts (2 of 4 stars). 3 submissions from 3 submitters: Uncertain significance (3). Last evaluated 2025-06-30.

Conditions:
Inborn genetic diseases. Identifiers: MedGen C0950123, MeSH D030342.

Allele frequency attached by ClinVar (database versions not stated): gnomAD 0.00001.
gnomAD v4.1: 20 of 1,613,998 alleles (0.0012%); highest among the groups gnomAD compares: South Asian, 0.0033%; no homozygotes.

Submissions (3):

Ambry Genetics
Classification: Uncertain significance for Inborn genetic diseases. Last evaluated: 2025-06-30. Review status: criteria provided, single submitter. Criteria: Ambry Variant Classification Scheme 2023. Collection method: clinical testing. Allele origin: germline.

Labcorp Genetics (formerly Invitae), Labcorp
Classification: Uncertain significance. Last evaluated: 2023-12-11. Review status: criteria provided, single submitter. Criteria: Invitae Variant Classification Sherloc (09022015). Collection method: clinical testing. Allele origin: germline.
Comment: This sequence change replaces valine, which is neutral and non-polar, with leucine, which is neutral and non-polar, at codon 515 of the FAM161A protein (p.Val515Leu). This variant is present in population databases (rs751120519, gnomAD 0.003%). This variant has not been reported in the literature in individuals affected with FAM161A-related conditions. ClinVar contains an entry for this variant (Variation ID: 1517906). Advanced modeling of protein sequence and biophysical properties (such as structural, functional, and spatial information, amino acid conservation, physicochemical variation, residue mobility, and thermodynamic stability) performed at Invitae indicates that this missense variant is not expected to disrupt FAM161A protein function with a negative predictive value of 80%. In summary, the available evidence is currently insufficient to determine the role of this variant in disease. Therefore, it has been classified as a Variant of Uncertain Significance.

Blueprint Genetics
Classification: Uncertain significance. Last evaluated: 2019-08-06. Review status: criteria provided, single submitter. Criteria: ACMG Guidelines, 2015. Collection method: clinical testing. Allele origin: germline.

NM_001201543.2(FAM161A):c.1543G>T (p.Val515Leu)

Gene: FAM161A (FAM161 centrosomal protein A; minus strand). Cytogenetic location: 2p15.
Variant type: single nucleotide variant.
Coding change: c.1543G>T on transcript NM_001201543.2 (MANE Select); coding-DNA position 1543, G replaced by T.
Protein change: p.Val515Leu; replaces valine 515 with leucine.
Molecular consequence: missense variant. On other transcripts: non-coding transcript variant (1).
Genome position (GRCh38, 1-based): chr2:61,839,461, C>A on the plus strand (G>T on the coding strand, the complement: FAM161A is on the minus strand). VCF-style: chr2-61839461-C-A. GRCh37 (hg19) VCF-style: chr2-62066596-C-A.
Other names: c.1543G>T, p.Val515Leu (NM_032180.3); c.1543G>T (NM_001201543.1); short protein forms V515L.
Identifiers: ClinVar variation 1517906 (VCV001517906.8), dbSNP rs751120519, ClinGen allele CA1679129.